The following is an entry in ClinVar:

ClinVar aggregate classification (germline): Likely pathogenic (1 of 4 stars; one submission).

Conditions:
Autosomal recessive limb-girdle muscular dystrophy type 2J (LGMDR10). Also called: Limb-girdle muscular dystrophy, type 2J; MUSCULAR DYSTROPHY, LIMB-GIRDLE, AUTOSOMAL RECESSIVE 10. Identifiers: Orphanet 140922, MedGen C1837342, MONDO:0012127, OMIM 608807.
Dilated cardiomyopathy 1G (CMD1G). Identifiers: Orphanet 154, MedGen C1858763, MONDO:0011400, OMIM 604145.

Submission:

Labcorp Genetics (formerly Invitae), Labcorp
Classification: Likely pathogenic for Dilated cardiomyopathy 1G; Autosomal recessive limb-girdle muscular dystrophy type 2J. Last evaluated: 2025-05-01. Review status: criteria provided, single submitter. Criteria: Invitae Variant Classification Sherloc (09022015). Collection method: clinical testing. Allele origin: germline.
Comment: This sequence change creates a premature translational stop signal (p.Ile2834Leufs*18) in the TTN gene. While this is not anticipated to result in nonsense mediated decay, it is expected to create a truncated TTN protein. This variant is not present in population databases (gnomAD no frequency). This variant has not been reported in the literature in individuals affected with TTN-related conditions. ClinVar contains an entry for this variant (Variation ID: 2094470). This variant is located in the I band of TTN (PMID: 25589632). Truncating variants in this region have been reported in individuals affected with autosomal recessive centronuclear myopathy (PMID: 23975875, internal data). Truncating variants in this region have also been identified in individuals affected with autosomal dominant dilated cardiomyopathy and/or cardio-related conditions (PMID: 27869827, 32964742, internal data). In summary, the currently available evidence indicates that the variant is pathogenic, but additional data are needed to prove that conclusively. Therefore, this variant has been classified as Likely Pathogenic.

Literature cited by the submitters: PubMed 25589632; PubMed 23975875; PubMed 27869827; PubMed 32964742.

NM_001267550.2(TTN):c.8500del (p.Ile2834fs)

Gene: TTN (titin; minus strand). Cytogenetic location: 2q31.2.
Variant type: Deletion.
Coding change: c.8500del on transcript NM_001267550.2 (MANE Select); coding-DNA position 8500, one base deleted (A; older notation c.8500delA).
Protein change: p.Ile2834fs; shifts the reading frame from isoleucine 2834.
Molecular consequence: frameshift variant.
Genome position (GRCh38, 1-based): chr2:178,770,201, T deleted on the plus strand (A on the coding strand, the reverse complement: TTN is on the minus strand); the first of 3 consecutive T bases (chr2:178,770,201-178,770,203); deleting any one gives the same sequence. VCF-style (leftmost placement, unchanged base first): chr2-178770200-AT-A. GRCh37 (hg19) VCF-style: chr2-179634927-AT-A.
Other names: c.8500del, p.Ile2834fs (NM_001256850.1, NM_133378.4, NM_133379.5); c.8362del, p.Ile2788fs (NM_003319.4, NM_133432.3, NM_133437.4); short protein forms I2788fs, I2834fs.
Identifiers: ClinVar variation 2094470 (VCV002094470.4), dbSNP rs2532487637, ClinGen allele CA2580065206.